The following is an entry in ClinVar:

ClinVar aggregate classification (germline): Uncertain significance. Review status: criteria provided, multiple submitters, no conflicts (2 of 4 stars). 2 submissions from 2 submitters: Uncertain significance (2). Last evaluated 2025-01-27.

Allele frequency attached by ClinVar (database versions not stated): TOPMed below 0.00001; gnomAD 0.00001; gnomAD exomes 0.00001.
gnomAD v4.1: 16 of 1,613,066 alleles (0.00099%); highest among the groups gnomAD compares: African/African-American, 0.0013%; no homozygotes.

Submissions (2):

Ambry Genetics
Classification: Uncertain significance. Last evaluated: 2025-01-27. Review status: criteria provided, single submitter. Criteria: Ambry Variant Classification Scheme 2023. Collection method: clinical testing. Allele origin: germline.

Labcorp Genetics (formerly Invitae), Labcorp
Classification: Uncertain significance. Last evaluated: 2023-12-11. Review status: criteria provided, single submitter. Criteria: Invitae Variant Classification Sherloc (09022015). Collection method: clinical testing. Allele origin: germline.
Comment: This sequence change replaces asparagine, which is neutral and polar, with serine, which is neutral and polar, at codon 789 of the AHR protein (p.Asn789Ser). This variant is present in population databases (no rsID available, gnomAD 0.0009%). This variant has not been reported in the literature in individuals affected with AHR-related conditions. ClinVar contains an entry for this variant (Variation ID: 1900815). Algorithms developed to predict the effect of missense changes on protein structure and function output the following: SIFT: "Not Available"; PolyPhen-2: "Benign"; Align-GVGD: "Not Available". The serine amino acid residue is found in multiple mammalian species, which suggests that this missense change does not adversely affect protein function. In summary, the available evidence is currently insufficient to determine the role of this variant in disease. Therefore, it has been classified as a Variant of Uncertain Significance.

NM_001621.5(AHR):c.2366A>G (p.Asn789Ser)

Gene: AHR (aryl hydrocarbon receptor; plus strand). Cytogenetic location: 7p21.1.
Variant type: single nucleotide variant.
Coding change: c.2366A>G on transcript NM_001621.5 (MANE Select); coding-DNA position 2366, A replaced by G.
Protein change: p.Asn789Ser; replaces asparagine 789 with serine.
Molecular consequence: missense variant.
Genome position (GRCh38, 1-based): chr7:17,340,191, A>G. VCF-style: chr7-17340191-A-G. GRCh37 (hg19) VCF-style: chr7-17379815-A-G.
Other names: c.2366A>G (NM_001621.4); short protein forms N789S.
Identifiers: ClinVar variation 1900815 (VCV001900815.6), dbSNP rs1485776768, ClinGen allele CA366896969.